The following is an entry in ClinVar:

NM_001347721.2(DYRK1A):c.795T>C (p.Leu265=)

Gene: DYRK1A (dual specificity tyrosine phosphorylation regulated kinase 1A; plus strand). Cytogenetic location: 21q22.13.
Variant type: single nucleotide variant.
Coding change: c.795T>C on transcript NM_001347721.2 (MANE Select); coding-DNA position 795, T replaced by C.
Protein change: p.Leu265=; no amino-acid change (leucine 265 retained).
Molecular consequence: synonymous variant.
Genome position (GRCh38, 1-based): chr21:37,490,332, T>C. VCF-style: chr21-37490332-T-C. GRCh37 (hg19) VCF-style: chr21-38862634-T-C.
Other names: c.795T>C, p.Leu265= (NM_001347722.2, NM_130436.2); c.708T>C, p.Leu236= (NM_001347723.2); c.822T>C, p.Leu274= (NM_001396.5, NM_101395.2, NM_130438.2).
Identifiers: ClinVar variation 389219 (VCV000389219.6), dbSNP rs1057523364, ClinGen allele CA16608545.

ClinVar aggregate classification (germline): Likely benign. Review status: criteria provided, multiple submitters, no conflicts (2 of 4 stars). 2 submissions from 2 submitters: Likely benign (2). Last evaluated 2016-09-12.

Allele frequency attached by ClinVar (database versions not stated): gnomAD below 0.00001 and 0.00001; TOPMed below 0.00001; gnomAD exomes 0.00001 and 0.00002.
gnomAD v4.1: 16 of 1,613,632 alleles (0.00099%); highest among the groups gnomAD compares: South Asian, 0.013%; no homozygotes.

Submissions (2):

GeneDx
Classification: Likely benign. Last evaluated: 2016-09-12. Review status: criteria provided, single submitter. Criteria: GeneDx Variant Classification (06012015). Collection method: clinical testing. Allele origin: germline. Affected: yes.
Comment: This variant is considered likely benign or benign based on one or more of the following criteria: it is a conservative change, it occurs at a poorly conserved position in the protein, it is predicted to be benign by multiple in silico algorithms, and/or has population frequency not consistent with disease.

Genetic Services Laboratory, University of Chicago
Classification: Likely benign. Last evaluated: 2016-09-12. Review status: criteria provided, single submitter. Criteria: ACMG Guidelines, 2015. Collection method: clinical testing. Allele origin: germline. Affected: no.